The following is an entry in ClinVar:

NM_001099922.3(ALG13):c.2809C>G (p.Pro937Ala)

Gene: ALG13 (ALG13 UDP-N-acetylglucosaminyltransferase subunit; plus strand). Cytogenetic location: Xq23.
Variant type: single nucleotide variant.
Coding change: c.2809C>G on transcript NM_001099922.3 (MANE Select); coding-DNA position 2809, C replaced by G.
Protein change: p.Pro937Ala; replaces proline 937 with alanine.
Molecular consequence: missense variant. On other transcripts: intron variant (5).
Genome position (GRCh38, 1-based): chrX:111,744,781, C>G. VCF-style: chrX-111744781-C-G. GRCh37 (hg19) VCF-style: chrX-110988009-C-G.
Other names: c.2575C>G, p.Pro859Ala (NM_001257231.2); c.2383+7902C>G (NM_001257237.2, NM_001257234.2, NM_001257230.2); c.2209+7902C>G (NM_001324293.1); c.2695+7902C>G (NM_001324292.2); short protein forms P859A, P937A.
Identifiers: ClinVar variation 1483142 (VCV001483142.8), dbSNP rs1358741065, ClinGen allele CA414291558.

ClinVar aggregate classification (germline): Uncertain significance (1 of 4 stars; one submission).

Conditions:
Developmental and epileptic encephalopathy, 36 (DEE36). Also called: Congenital disorder of glycosylation, type Is; Epileptic encephalopathy, early infantile, 36; ALG13-CDG. Identifiers: Orphanet 324422, MedGen C4317295, MONDO:0010472, OMIM 300884.

Submission:

Labcorp Genetics (formerly Invitae), Labcorp
Classification: Uncertain significance for Developmental and epileptic encephalopathy, 36. Last evaluated: 2021-02-16. Review status: criteria provided, single submitter. Criteria: Invitae Variant Classification Sherloc (09022015). Collection method: clinical testing. Allele origin: germline.
Comment: In summary, the available evidence is currently insufficient to determine the role of this variant in disease. Therefore, it has been classified as a Variant of Uncertain Significance. Algorithms developed to predict the effect of missense changes on protein structure and function (SIFT, PolyPhen-2, Align-GVGD) all suggest that this variant is likely to be tolerated, but these predictions have not been confirmed by published functional studies and their clinical significance is uncertain. This variant has not been reported in the literature in individuals with ALG13-related conditions. The frequency data for this variant in the population databases is considered unreliable, as metrics indicate insufficient coverage at this position in the ExAC database. This sequence change replaces proline with alanine at codon 937 of the ALG13 protein (p.Pro937Ala). The proline residue is weakly conserved and there is a small physicochemical difference between proline and alanine.